The following is an entry in ClinVar:

NM_001458.5(FLNC):c.8059A>G (p.Met2687Val)

Genes: FLNC (filamin C; plus strand), FLNC-AS1 (FLNC antisense RNA 1; minus strand). Cytogenetic location: 7q32.1.
Variant type: single nucleotide variant.
Coding change: c.8059A>G on transcript NM_001458.5 (MANE Select); coding-DNA position 8059, A replaced by G.
Protein change: p.Met2687Val; replaces methionine 2687 with valine.
Molecular consequence: missense variant.
Genome position (GRCh38, 1-based): chr7:128,858,404, A>G. VCF-style: chr7-128858404-A-G. GRCh37 (hg19) VCF-style: chr7-128498458-A-G.
Other names: c.7960A>G, p.Met2654Val (NM_001127487.2); short protein forms M2654V, M2687V.
Identifiers: ClinVar variation 859047 (VCV000859047.10), dbSNP rs369110441, ClinGen allele CA4476418.

ClinVar aggregate classification (germline): Uncertain significance. Review status: criteria provided, multiple submitters, no conflicts (2 of 4 stars). 2 submissions from 2 submitters: Uncertain significance (2). Last evaluated 2025-12-08.

Conditions:
Myofibrillar myopathy 5. Also called: FILAMINOPATHY, AUTOSOMAL DOMINANT; Filaminopathy (type). Identifiers: Orphanet 171445, MedGen C1836050, MONDO:0012289, OMIM 609524.
Distal myopathy with posterior leg and anterior hand involvement. Also called: WILLIAMS DISTAL MYOPATHY. Identifiers: Orphanet 63273, MedGen C3279722, MONDO:0013550, OMIM 614065.
Hypertrophic cardiomyopathy 26. Also called: Cardiomyopathy, familial hypertrophic, 26. Identifiers: Orphanet 75249, MedGen C4310749, MONDO:0014883, OMIM 617047.

Allele frequency attached by ClinVar (database versions not stated): gnomAD exomes 0.00002; TOPMed 0.00002; ExAC 0.00003; gnomAD 0.00003; ESP Exome Variant Server 0.00008.
gnomAD v4.1: 9 of 1,603,686 alleles (0.00056%); highest among the groups gnomAD compares: Non-Finnish European, 0.0006%; no homozygotes.

Submissions (2):

Labcorp Genetics (formerly Invitae), Labcorp
Classification: Uncertain significance for Distal myopathy with posterior leg and anterior hand involvement; Myofibrillar myopathy 5; Hypertrophic cardiomyopathy 26. Last evaluated: 2025-12-08. Review status: criteria provided, single submitter. Criteria: Invitae Variant Classification Sherloc (09022015). Collection method: clinical testing. Allele origin: germline.
Comment: This sequence change replaces methionine, which is neutral and non-polar, with valine, which is neutral and non-polar, at codon 2687 of the FLNC protein (p.Met2687Val). This variant is present in population databases (rs369110441, gnomAD 0.003%). This variant has not been reported in the literature in individuals affected with FLNC-related conditions. ClinVar contains an entry for this variant (Variation ID: 859047). Invitae Evidence Modeling of protein sequence and biophysical properties (such as structural, functional, and spatial information, amino acid conservation, physicochemical variation, residue mobility, and thermodynamic stability) indicates that this missense variant is not expected to disrupt FLNC protein function with a negative predictive value of 95%. In summary, the available evidence is currently insufficient to determine the role of this variant in disease. Therefore, it has been classified as a Variant of Uncertain Significance.

Revvity Omics, Revvity
Classification: Uncertain significance. Last evaluated: 2019-06-10. Review status: criteria provided, single submitter. Criteria: ACMG Guidelines, 2015. Collection method: clinical testing. Allele origin: germline.